The following is an entry in ClinVar:

ClinVar aggregate classification (germline): Uncertain significance (1 of 4 stars; one submission).

Conditions:
Inborn genetic diseases. Identifiers: MedGen C0950123, MeSH D030342.

Allele frequency attached by ClinVar (database versions not stated): gnomAD exomes 0.00001.

Submission:

Ambry Genetics
Classification: Uncertain significance for Inborn genetic diseases. Last evaluated: 2020-11-05. Review status: criteria provided, single submitter. Criteria: Ambry Variant Classification Scheme 2023. Collection method: clinical testing. Allele origin: germline.
Comment: The p.E217G variant (also known as c.650A>G), located in coding exon 6 of the VAPB gene, results from an A to G substitution at nucleotide position 650. The glutamic acid at codon 217 is replaced by glycine, an amino acid with similar properties. This amino acid position is well conserved in available vertebrate species. In addition, the in silico prediction for this alteration is inconclusive. Since supporting evidence is limited at this time, the clinical significance of this alteration remains unclear.

NM_004738.5(VAPB):c.650A>G (p.Glu217Gly)

Gene: VAPB (VAMP associated protein B and C; plus strand). Cytogenetic location: 20q13.32.
Variant type: single nucleotide variant.
Coding change: c.650A>G on transcript NM_004738.5 (MANE Select); coding-DNA position 650, A replaced by G.
Protein change: p.Glu217Gly; replaces glutamic acid 217 with glycine.
Molecular consequence: missense variant. On other transcripts: synonymous variant (1), non-coding transcript variant (1).
Genome position (GRCh38, 1-based): chr20:58,444,153, A>G. VCF-style: chr20-58444153-A-G. GRCh37 (hg19) VCF-style: chr20-57019209-A-G.
Other names: c.288A>G, p.Gly96= (NM_001195677.2); short protein forms E217G.
Identifiers: ClinVar variation 1753946 (VCV001753946.2), dbSNP rs1989222308, ClinGen allele CA409440249.